The following is an entry in ClinVar:

ClinVar aggregate classification (germline): Uncertain significance. Review status: criteria provided, multiple submitters, no conflicts (2 of 4 stars). 2 submissions from 2 submitters: Uncertain significance (2). Last evaluated 2025-12-02.

Conditions:
Cardiovascular phenotype. Identifiers: MedGen CN230736.
Dilated cardiomyopathy 1JJ (CMD1JJ). Identifiers: Orphanet 154, MedGen C3808935, MONDO:0014095, OMIM 615235.

Allele frequency attached by ClinVar (database versions not stated): gnomAD exomes 0.00001.
gnomAD v4.1: 4 of 1,614,042 alleles (0.00025%); highest among the groups gnomAD compares: Non-Finnish European, 0.00034%; no homozygotes.

Submissions (2):

Labcorp Genetics (formerly Invitae), Labcorp
Classification: Uncertain significance for Dilated cardiomyopathy 1JJ. Last evaluated: 2025-12-02. Review status: criteria provided, single submitter. Criteria: Invitae Variant Classification Sherloc (09022015). Collection method: clinical testing. Allele origin: germline.
Comment: This sequence change replaces serine, which is neutral and polar, with threonine, which is neutral and polar, at codon 1571 of the LAMA4 protein (p.Ser1571Thr). This variant is not present in population databases (gnomAD no frequency). This variant has not been reported in the literature in individuals affected with LAMA4-related conditions. ClinVar contains an entry for this variant (Variation ID: 1742598). Invitae Evidence Modeling of protein sequence and biophysical properties (such as structural, functional, and spatial information, amino acid conservation, physicochemical variation, residue mobility, and thermodynamic stability) has been performed for this missense variant. However, the output from this modeling did not meet the statistical confidence thresholds required to predict the impact of this variant on LAMA4 protein function. In summary, the available evidence is currently insufficient to determine the role of this variant in disease. Therefore, it has been classified as a Variant of Uncertain Significance.

Ambry Genetics
Classification: Uncertain significance for Cardiovascular phenotype. Last evaluated: 2021-12-16. Review status: criteria provided, single submitter. Criteria: Ambry Variant Classification Scheme 2023. Collection method: clinical testing. Allele origin: germline.
Comment: The p.S1571T variant (also known as c.4712G>C), located in coding exon 33 of the LAMA4 gene, results from a G to C substitution at nucleotide position 4712. The serine at codon 1571 is replaced by threonine, an amino acid with similar properties. This amino acid position is conserved. In addition, this alteration is predicted to be tolerated by in silico analysis. Since supporting evidence is limited at this time, the clinical significance of this alteration remains unclear.

NM_001105206.3(LAMA4):c.4733G>C (p.Ser1578Thr)

Gene: LAMA4 (laminin subunit alpha 4; minus strand). Cytogenetic location: 6q21.
Variant type: single nucleotide variant.
Coding change: c.4733G>C on transcript NM_001105206.3 (MANE Select); coding-DNA position 4733, G replaced by C.
Protein change: p.Ser1578Thr; replaces serine 1578 with threonine.
Molecular consequence: missense variant.
Genome position (GRCh38, 1-based): chr6:112,119,244, C>G on the plus strand (G>C on the coding strand, the complement: LAMA4 is on the minus strand). VCF-style: chr6-112119244-C-G. GRCh37 (hg19) VCF-style: chr6-112440447-C-G.
Other names: c.4712G>C, p.Ser1571Thr (NM_001105207.3, NM_002290.5); short protein forms S1571T, S1578T.
Identifiers: ClinVar variation 1742598 (VCV001742598.7), dbSNP rs2546974572, ClinGen allele CA365368343.